The following is an entry in ClinVar:

NM_019892.6(INPP5E):c.775C>A (p.Leu259Ile)

Gene: INPP5E (inositol polyphosphate-5-phosphatase E; minus strand). Cytogenetic location: 9q34.3.
Variant type: single nucleotide variant.
Coding change: c.775C>A on transcript NM_019892.6 (MANE Select); coding-DNA position 775, C replaced by A.
Protein change: p.Leu259Ile; replaces leucine 259 with isoleucine.
Molecular consequence: missense variant.
Genome position (GRCh38, 1-based): chr9:136,438,645, G>T on the plus strand (C>A on the coding strand, the complement: INPP5E is on the minus strand). VCF-style: chr9-136438645-G-T. GRCh37 (hg19) VCF-style: chr9-139333097-G-T.
Other names: c.775C>A, p.Leu259Ile (NM_001318502.2); c.775C>A (NM_019892.4); short protein forms L259I.
Identifiers: ClinVar variation 2180191 (VCV002180191.6), dbSNP rs1335068390, ClinGen allele CA375567672.
Genomic context (GRCh38, chr9:136,438,645, plus strand): 5'-TGCACCCGCCAGGCCCTCCCTACCTGCTGCGGACGTCCTTGCTGCGGATGGGCGCCAGGA[G>T]GCTGAAGGAGGATTTGGCCGAGCGAAGGGAACAGTCGTCGCAGGCCAGGGGGCTCCGCGG-3'
Protein context (NP_063945.2, residues 249-269): SLRSAKSSFS[Leu259Ile]LAPIRSKDVR

ClinVar aggregate classification (germline): Uncertain significance. Review status: criteria provided, multiple submitters, no conflicts (2 of 4 stars). 3 submissions from 3 submitters: Uncertain significance (3). Last evaluated 2025-12-09.

Conditions:
Inborn genetic diseases. Identifiers: MedGen C0950123, MeSH D030342.
Joubert syndrome. Also called: Familial aplasia of the vermis; JOUBERT-BOLTSHAUSER SYNDROME. Identifiers: Orphanet 475, MedGen C5979921, MONDO:0018772.

Allele frequency attached by ClinVar (database versions not stated): gnomAD exomes below 0.00001; TOPMed 0.00002; gnomAD 0.00003.
gnomAD v4.1: 8 of 1,578,398 alleles (0.00051%); highest among the groups gnomAD compares: Non-Finnish European, 0.00069%; no homozygotes.

Submissions (3):

Ambry Genetics
Classification: Uncertain significance for Inborn genetic diseases. Last evaluated: 2025-12-09. Review status: criteria provided, single submitter. Criteria: Ambry Variant Classification Scheme 2023. Collection method: clinical testing. Allele origin: germline.

Blueprint Genetics
Classification: Uncertain significance. Last evaluated: 2024-07-02. Review status: criteria provided, single submitter. Criteria: ACMG Guidelines, 2015. Collection method: clinical testing. Allele origin: germline.

Labcorp Genetics (formerly Invitae), Labcorp
Classification: Uncertain significance for Joubert syndrome. Last evaluated: 2022-03-04. Review status: criteria provided, single submitter. Criteria: Invitae Variant Classification Sherloc (09022015). Collection method: clinical testing. Allele origin: germline.
Comment: This sequence change replaces leucine, which is neutral and non-polar, with isoleucine, which is neutral and non-polar, at codon 259 of the INPP5E protein (p.Leu259Ile). This variant is not present in population databases (gnomAD no frequency). This variant has not been reported in the literature in individuals affected with INPP5E-related conditions. Advanced modeling of protein sequence and biophysical properties (such as structural, functional, and spatial information, amino acid conservation, physicochemical variation, residue mobility, and thermodynamic stability) performed at Invitae indicates that this missense variant is not expected to disrupt INPP5E protein function. In summary, the available evidence is currently insufficient to determine the role of this variant in disease. Therefore, it has been classified as a Variant of Uncertain Significance.